The following is an entry in ClinVar:

ClinVar aggregate classification (germline): Uncertain significance (1 of 4 stars; one submission).

Conditions:
FGA-related disorder. Also called: FGA-related disorders; FGA-related condition.

Submission:

PreventionGenetics, part of Exact Sciences
Classification: Uncertain significance for FGA-related condition. Last evaluated: 2026-02-20. Review status: criteria provided, single submitter. Criteria: ACMG Guidelines, 2015. Collection method: clinical testing. Allele origin: germline.
Comment: The FGA c.164G>A variant is predicted to result in the amino acid substitution p.Cys55Tyr. To our knowledge, this variant has not been reported in the literature or in a large population database (gnomAD), indicating this variant is rare. Alternate missense changes at the same amino acid position (p.Cys55Gly, p.Cys55Arg) have been reported in individuals affected with hypofibrinogenemia (Hanss et al. 2011. PubMed ID: 21459789; Asselta et al. 2015. PubMed ID: 25427968). Although we suspect that this variant may be pathogenic, at this time, the clinical significance of this variant is uncertain due to the absence of conclusive functional and genetic evidence.

NM_021871.4(FGA):c.164G>A (p.Cys55Tyr)

Gene: FGA (fibrinogen alpha chain; minus strand). Cytogenetic location: 4q31.3.
Variant type: single nucleotide variant.
Coding change: c.164G>A on transcript NM_021871.4 (MANE Select); coding-DNA position 164, G replaced by A.
Protein change: p.Cys55Tyr; replaces cysteine 55 with tyrosine.
Molecular consequence: missense variant.
Genome position (GRCh38, 1-based): chr4:154,589,453, C>T on the plus strand (G>A on the coding strand, the complement: FGA is on the minus strand). VCF-style: chr4-154589453-C-T. GRCh37 (hg19) VCF-style: chr4-155510605-C-T.
Other names: c.164G>A, p.Cys55Tyr (NM_000508.5); short protein forms C55Y.
Identifiers: ClinVar variation 4993064 (VCV004993064.1).
Genomic context (GRCh38, chr4:154,589,453, plus strand): 5'-CATCAGAGGGAAGGAATCTCCTGCTTCCCCCGCTGACTGCTTACCCAGTCTTCATCAGAG[C>T]AGAAGGGCCAGTCTGAATCTTTGCAGGCAGATTGATGTCTTTCCACAACCCTTGGGCCAC-3'
Protein context (NP_068657.1, residues 45-65): SACKDSDWPF[Cys55Tyr]SDEDWNYKCP